The following is an entry in ClinVar:

NM_006261.5(PROP1):c.630A>C (p.Pro210=)

Gene: PROP1 (PROP paired-like homeobox 1; minus strand). Cytogenetic location: 5q35.3.
Variant type: single nucleotide variant.
Coding change: c.630A>C on transcript NM_006261.5 (MANE Select); coding-DNA position 630, A replaced by C.
Protein change: p.Pro210=; no amino-acid change (proline 210 retained).
Molecular consequence: synonymous variant.
Genome position (GRCh38, 1-based): chr5:177,992,760, T>G on the plus strand (A>C on the coding strand, the complement: PROP1 is on the minus strand). VCF-style: chr5-177992760-T-G. GRCh37 (hg19) VCF-style: chr5-177419761-T-G.
Identifiers: ClinVar variation 287515 (VCV000287515.12), dbSNP rs535993919, ClinGen allele CA3587485.

ClinVar aggregate classification (germline): Conflicting classifications of pathogenicity. Review status: criteria provided, conflicting classifications (1 of 4 stars). 3 submissions from 3 submitters: Uncertain significance (1); Likely benign (2). Last evaluated 2018-01-12.

Conditions:
Pituitary hormone deficiency, combined, 2. Also called: PITUITARY DWARFISM III; ATELIOTIC DWARFISM WITH HYPOGONADISM; HANHART DWARFISM; PROP1-Related Combined Pituitary Hormone Deficiency. Identifiers: MedGen C0878683, MONDO:0009878, OMIM 262600.

Allele frequency attached by ClinVar (database versions not stated): ExAC 0.00068; gnomAD exomes 0.00212; 1000 Genomes Project 0.01577.

Submissions (3):

Illumina Laboratory Services, Illumina
Classification: Uncertain significance for Pituitary hormone deficiency, combined, 2. Last evaluated: 2018-01-12. Review status: criteria provided, single submitter. Criteria: ICSL Variant Classification Criteria 13 December 2019. Collection method: clinical testing. Allele origin: germline.

Eurofins Ntd Llc (ga)
Classification: Likely benign. Last evaluated: 2016-05-19. Review status: criteria provided, single submitter. Criteria: EGL Classification Definitions 2015. Collection method: clinical testing. Allele origin: germline. Observed: 3 variant alleles, 1 heterozygote.

Laboratory for Molecular Medicine, Mass General Brigham Personalized Medicine
Classification: Likely benign. Last evaluated: 2016-03-29. Review status: criteria provided, single submitter. Criteria: LMM Criteria. Collection method: clinical testing. Allele origin: germline.
Comment: Variant identified in a genome or exome case(s) and assessed due to predicted null impact of the variant or pathogenic assertions in the literature or databases. Disclaimer: This variant has not undergone full assessment. The following are preliminary notes: Silent, not in splice consensus